The following is an entry in ClinVar:

ClinVar aggregate classification (germline): Uncertain significance (1 of 4 stars; one submission).

Conditions:
Leukocyte adhesion deficiency type II. Also called: CDG IIc; Congenital disorder of glycosylation type 2C; CDG 2C; Leukocyte adhesion deficiency type 2; Rambam Hasharon syndrome; CONGENITAL DISORDER OF GLYCOSYLATION, TYPE IIc. Identifiers: Orphanet 2968, Orphanet 99843, MedGen C0398739, MONDO:0009953, OMIM 266265.

Submission:

Labcorp Genetics (formerly Invitae), Labcorp
Classification: Uncertain significance for Leukocyte adhesion deficiency type II. Last evaluated: 2022-08-10. Review status: criteria provided, single submitter. Criteria: Invitae Variant Classification Sherloc (09022015). Collection method: clinical testing. Allele origin: germline.
Comment: A copy number gain of the genomic region encompassing the full coding sequence of the SLC35C1 gene has been identified. The boundaries of this event are unknown as they extend beyond the assayed region for this gene and therefore may encompass additional genes. As the precise location of this event is unknown, it may be in tandem or it may be located elsewhere in the genome. This variant has not been reported in the literature in individuals affected with SLC35C1-related conditions. In summary, the available evidence is currently insufficient to determine the role of this variant in disease. Therefore, it has been classified as a Variant of Uncertain Significance.

NC_000011.10:g.(?_45805782)_(45910982_?)dup

Genes: FREY1 (Frey regulator of sperm-oocyte fusion 1; minus strand), SLC35C1 (solute carrier family 35 member C1; plus strand), CRY2 (cryptochrome circadian regulator 2; plus strand), PEX16 (peroxisomal biogenesis factor 16; minus strand), MAPK8IP1 (mitogen-activated protein kinase 8 interacting protein 1; plus strand). Cytogenetic location: 11p11.2.
Variant type: Duplication.
Identifiers: ClinVar variation 832501 (VCV000832501.2).